The following is an entry in ClinVar:

ClinVar aggregate classification (germline): Uncertain significance (1 of 4 stars; one submission).

Allele frequency attached by ClinVar (database versions not stated): gnomAD exomes below 0.00001; TOPMed below 0.00001; gnomAD 0.00001.
gnomAD v4.1: 3 of 1,613,890 alleles (0.00019%); highest among the groups gnomAD compares: Non-Finnish European, 0.00025%; no homozygotes.

Submission:

GeneDx
Classification: Uncertain significance. Last evaluated: 2022-09-22. Review status: criteria provided, single submitter. Criteria: GeneDx Variant Classification Process June 2021. Collection method: clinical testing. Allele origin: germline. Affected: yes.
Comment: Not observed at significant frequency in large population cohorts (gnomAD); In silico analysis supports that this missense variant has a deleterious effect on protein structure/function; Has not been previously published as pathogenic or benign to our knowledge

NM_001164760.2(PRKAR1B):c.622G>A (p.Gly208Ser)

Gene: PRKAR1B (protein kinase cAMP-dependent type I regulatory subunit beta; minus strand). Cytogenetic location: 7p22.3.
Variant type: single nucleotide variant.
Coding change: c.622G>A on transcript NM_001164760.2 (MANE Select); coding-DNA position 622, G replaced by A.
Protein change: p.Gly208Ser; replaces glycine 208 with serine.
Molecular consequence: missense variant.
Genome position (GRCh38, 1-based): chr7:596,232, C>T on the plus strand (G>A on the coding strand, the complement: PRKAR1B is on the minus strand). VCF-style: chr7-596232-C-T. GRCh37 (hg19) VCF-style: chr7-635869-C-T.
Other names: c.622G>A, p.Gly208Ser (NM_001164758.2, NM_001164759.1, NM_001164761.2 and 2 more transcripts); short protein forms G208S.
Identifiers: ClinVar variation 2497761 (VCV002497761.1), dbSNP rs1340953562, ClinGen allele CA366529028.
Genomic context (GRCh38, chr7:596,232, plus strand): 5'-GGTCGATCCCCCAGAGCTTGAGGTCCGTCTTGGCTTTCACGGTCGCAGCCCTGGGGGTGC[C>T]GTAGATGAGCGCCAGCTCCCCGAAGCTGCCTCCCTCGCTGATGTTGGTCACCCACTCTCC-3'
Protein context (NP_001158232.1, residues 198-218): GSFGELALIY[Gly208Ser]TPRAATVKAK